The following is an entry in ClinVar:

NM_001384732.1(CPLANE1):c.5515C>T (p.Pro1839Ser)

Gene: CPLANE1 (ciliogenesis and planar polarity effector complex subunit 1; minus strand). Cytogenetic location: 5p13.2.
Variant type: single nucleotide variant.
Coding change: c.5515C>T on transcript NM_001384732.1 (MANE Select); coding-DNA position 5515, C replaced by T.
Protein change: p.Pro1839Ser; replaces proline 1839 with serine.
Molecular consequence: missense variant.
Genome position (GRCh38, 1-based): chr5:37,180,912, G>A on the plus strand (C>T on the coding strand, the complement: CPLANE1 is on the minus strand). VCF-style: chr5-37180912-G-A. GRCh37 (hg19) VCF-style: chr5-37181014-G-A.
Other names: c.5515C>T, p.Pro1839Ser (NM_023073.4); short protein forms P1839S.
Identifiers: ClinVar variation 2064156 (VCV002064156.4), dbSNP rs888749024, ClinGen allele CA117067312.
Genomic context (GRCh38, chr5:37,180,912, plus strand): 5'-CTTACTTCAAGATATTTTGACAAGATTTATTCTGACCATTTCTTTCCTCAGTTCCACCTG[G>A]AGTTGCTACTGCAACTGAACCGCCAGCATCTGATTTGCTCTCCCTCTCAATATTGGGTCC-3'
Protein context (NP_001371661.1, residues 1829-1849): DAGGSVAVAT[Pro1839Ser]GGTEERNGQN

ClinVar aggregate classification (germline): Uncertain significance (1 of 4 stars; one submission).

Submission:

Labcorp Genetics (formerly Invitae), Labcorp
Classification: Uncertain significance. Last evaluated: 2023-07-25. Review status: criteria provided, single submitter. Criteria: Invitae Variant Classification Sherloc (09022015). Collection method: clinical testing. Allele origin: germline.
Comment: This variant is not present in population databases (gnomAD no frequency). In summary, the available evidence is currently insufficient to determine the role of this variant in disease. Therefore, it has been classified as a Variant of Uncertain Significance. Advanced modeling of protein sequence and biophysical properties (such as structural, functional, and spatial information, amino acid conservation, physicochemical variation, residue mobility, and thermodynamic stability) performed at Invitae indicates that this missense variant is not expected to disrupt CPLANE1 protein function. ClinVar contains an entry for this variant (Variation ID: 2064156). This variant has not been reported in the literature in individuals affected with CPLANE1-related conditions. This sequence change replaces proline, which is neutral and non-polar, with serine, which is neutral and polar, at codon 1839 of the CPLANE1 protein (p.Pro1839Ser).